The following is an entry in ClinVar:

NM_001349206.2(LPIN1):c.2621+9T>G

Gene: LPIN1 (lipin 1; plus strand). Cytogenetic location: 2p25.1.
Variant type: single nucleotide variant.
Coding change: c.2621+9T>G on transcript NM_001349206.2 (MANE Select); 9 bases into the intron after coding-DNA position 2621, T replaced by G.
Molecular consequence: intron variant.
Genome position (GRCh38, 1-based): chr2:11,820,523, T>G. VCF-style: chr2-11820523-T-G. GRCh37 (hg19) VCF-style: chr2-11960649-T-G.
Other names: p.?; c.2768+9T>G (NM_001261428.3); c.2660+9T>G (NM_001349208.2); c.2711+9T>G (NM_001349207.2); c.2531+9T>G (NM_001261427.3); c.2621+9T>G (NM_001349204.2, NM_001349205.2); c.2618+9T>G (NM_001349202.2, NM_001349203.2); c.2591+9T>G (NM_001349200.2, NM_001349201.2); and 1 more.
Identifiers: ClinVar variation 734293 (VCV000734293.13), dbSNP rs376096347, ClinGen allele CA1534141.
Genomic context (GRCh38, chr2:11,820,523, plus strand): 5'-TCAACCCTAAAGGAGAGCTGGTACAGGAACATGCAAAGACCAACATCTCTTCGTGAGTAT[T>G]GTACACATTTTATGTGATTATGATATCAGTACTATTATCTTAAAACGGTGCTTCCCAGTT-3'

ClinVar aggregate classification (germline): Likely benign. Review status: criteria provided, multiple submitters, no conflicts (2 of 4 stars). 4 submissions from 4 submitters: Likely benign (4). Last evaluated 2026-01-26.

Allele frequency attached by ClinVar (database versions not stated): TOPMed 0.00013; 1000 Genomes Project 30x 0.00016; gnomAD 0.00017; 1000 Genomes Project 0.00020; gnomAD exomes 0.00022 and 0.00044; ESP Exome Variant Server 0.00023; ExAC 0.00046.

Submissions (4):

Labcorp Genetics (formerly Invitae), Labcorp
Classification: Likely benign. Last evaluated: 2026-01-26. Review status: criteria provided, single submitter. Criteria: Invitae Variant Classification Sherloc (09022015). Collection method: clinical testing. Allele origin: germline.

Mayo Clinic Laboratories, Mayo Clinic
Classification: Likely benign. Last evaluated: 2025-10-22. Review status: criteria provided, single submitter. Criteria: ACMG Guidelines, 2015. Collection method: clinical testing. Allele origin: germline. Observed: 1 variant allele.
Comment: BS1, BP4, BP7

Blueprint Genetics
Classification: Likely benign. Last evaluated: 2024-05-14. Review status: criteria provided, single submitter. Criteria: ACMG Guidelines, 2015. Collection method: clinical testing. Allele origin: germline.

Breakthrough Genomics
Classification: Likely benign. Review status: criteria provided, single submitter. Criteria: ACMG Guidelines, 2015. Collection method: not provided. Allele origin: germline. Inheritance: Autosomal recessive inheritance. Affected: yes.